The following is an entry in ClinVar:

NM_006663.4(PPP1R13L):c.2326G>T (p.Glu776Ter)

Gene: PPP1R13L (protein phosphatase 1 regulatory subunit 13 like; minus strand). Cytogenetic location: 19q13.32.
Variant type: single nucleotide variant.
Coding change: c.2326G>T on transcript NM_006663.4 (MANE Select); coding-DNA position 2326, G replaced by T.
Protein change: p.Glu776Ter; replaces glutamic acid 776 with a stop codon.
Molecular consequence: nonsense.
Genome position (GRCh38, 1-based): chr19:45,382,649, C>A on the plus strand (G>T on the coding strand, the complement: PPP1R13L is on the minus strand). VCF-style: chr19-45382649-C-A. GRCh37 (hg19) VCF-style: chr19-45885907-C-A.
Other names: c.2326G>T, p.Glu776Ter (NM_001142502.2); short protein forms E776*.
Identifiers: ClinVar variation 2650105 (VCV002650105.24), dbSNP rs2514065634, ClinGen allele CA406385799.

ClinVar aggregate classification (germline): Uncertain significance (1 of 4 stars; one submission).

Submission:

CeGaT Center for Human Genetics Tuebingen
Classification: Uncertain significance. Last evaluated: 2022-07-01. Review status: criteria provided, single submitter. Criteria: CeGaT Center For Human Genetics Tuebingen Variant Classification Criteria Version 2. Collection method: clinical testing. Allele origin: germline. Affected: yes. Observed: 1 variant allele.
Comment: PPP1R13L: PM2, PVS1:Supporting